The following is an entry in ClinVar:

ClinVar aggregate classification (germline): Likely pathogenic (1 of 4 stars; one submission).

Conditions:
Autosomal recessive nonsyndromic hearing loss 84B. Also called: Deafness, autosomal recessive 84b. Identifiers: Orphanet 90636, MedGen C3554159, MONDO:0013984, OMIM 614944.

Submission:

Juno Genomics, Hangzhou Juno Genomics, Inc
Classification: Likely pathogenic for Autosomal recessive nonsyndromic hearing loss 84B. Review status: criteria provided, single submitter. Criteria: ACMG Guidelines, 2015. Collection method: clinical testing. Allele origin: germline.
Comment: Null variant in a gene where loss of function (LOF) is a known mechanism of disease.;Absent from controls (or at extremely low frequency if recessive) in Genome Aggregation Database.

NM_001378609.3(OTOGL):c.6166G>T (p.Glu2056Ter)

Gene: OTOGL (otogelin like; plus strand). Cytogenetic location: 12q21.31.
Variant type: single nucleotide variant.
Coding change: c.6166G>T on transcript NM_001378609.3 (MANE Select); coding-DNA position 6166, G replaced by T.
Protein change: p.Glu2056Ter; replaces glutamic acid 2056 with a stop codon.
Molecular consequence: nonsense.
Genome position (GRCh38, 1-based): chr12:80,358,715, G>T. VCF-style: chr12-80358715-G-T. GRCh37 (hg19) VCF-style: chr12-80752495-G-T.
Other names: c.6031G>T, p.Glu2011Ter (NM_001368062.3); c.6166G>T, p.Glu2056Ter (NM_001378610.3, NM_173591.7); short protein forms E2056*, E2011*.
Identifiers: ClinVar variation 5005172 (VCV005005172.2).